The following is an entry in ClinVar:

NM_014989.7(RIMS1):c.1250C>T (p.Ala417Val)

Gene: RIMS1 (regulating synaptic membrane exocytosis 1; plus strand). Cytogenetic location: 6q13.
Variant type: single nucleotide variant.
Coding change: c.1250C>T on transcript NM_014989.7 (MANE Select); coding-DNA position 1250, C replaced by T.
Protein change: p.Ala417Val; replaces alanine 417 with valine.
Molecular consequence: missense variant.
Genome position (GRCh38, 1-based): chr6:72,182,721, C>T. VCF-style: chr6-72182721-C-T. GRCh37 (hg19) VCF-style: chr6-72892424-C-T.
Other names: c.1250C>T (NM_014989.4); short protein forms A417V.
Identifiers: ClinVar variation 1013747 (VCV001013747.12), dbSNP rs946852723, ClinGen allele CA141417528.

ClinVar aggregate classification (germline): Conflicting classifications of pathogenicity. Review status: criteria provided, conflicting classifications (1 of 4 stars). 4 submissions from 4 submitters: Uncertain significance (3); Likely benign (1). Last evaluated 2025-12-31.

Allele frequency attached by ClinVar (database versions not stated): gnomAD exomes 0.00002; TOPMed 0.00010; gnomAD 0.00011 and 0.00013.
gnomAD v4.1: 46 of 1,531,674 alleles (0.003%); highest among the groups gnomAD compares: African/African-American, 0.039%; no homozygotes.

Submissions (4):

Dasa
Classification: Uncertain significance. Last evaluated: 2025-12-31. Review status: criteria provided, single submitter. Criteria: DASA Assertion Criteria. Collection method: clinical testing. Allele origin: germline.
Comment: NM_014989.7(RIMS1):c.1250C>T (p.Ala417Val) is a missense variant that results in the substitution of alanine with valine. This variant is rare in population databases. Computational prediction algorithms are consistent with a benign effect. The currently available literature and clinical evidence are not sufficient to establish a definitive association between this variant and the reported condition. Therefore, this variant is classified as a variant of uncertain significance.

Ambry Genetics
Classification: Uncertain significance. Last evaluated: 2025-11-13. Review status: criteria provided, single submitter. Criteria: Ambry Variant Classification Scheme 2023. Collection method: clinical testing. Allele origin: germline.

Labcorp Genetics (formerly Invitae), Labcorp
Classification: Uncertain significance. Last evaluated: 2025-07-08. Review status: criteria provided, single submitter. Criteria: Invitae Variant Classification Sherloc (09022015). Collection method: clinical testing. Allele origin: germline.
Comment: This sequence change replaces alanine, which is neutral and non-polar, with valine, which is neutral and non-polar, at codon 417 of the RIMS1 protein (p.Ala417Val). This variant is present in population databases (no rsID available, gnomAD 0.04%). This variant has not been reported in the literature in individuals affected with RIMS1-related conditions. ClinVar contains an entry for this variant (Variation ID: 1013747). An algorithm developed to predict the effect of missense changes on protein structure and function outputs the following: PolyPhen-2: "Benign". The valine amino acid residue is found in multiple mammalian species, which suggests that this missense change does not adversely affect protein function. In summary, the available evidence is currently insufficient to determine the role of this variant in disease. Therefore, it has been classified as a Variant of Uncertain Significance.

Blueprint Genetics
Classification: Likely benign. Last evaluated: 2023-11-20. Review status: criteria provided, single submitter. Criteria: ACMG Guidelines, 2015. Collection method: clinical testing. Allele origin: germline.